The following is an entry in ClinVar:

NM_014889.4(PITRM1):c.2769C>A (p.Tyr923Ter)

Gene: PITRM1 (pitrilysin metallopeptidase 1; minus strand). Cytogenetic location: 10p15.2.
Variant type: single nucleotide variant.
Coding change: c.2769C>A on transcript NM_014889.4 (MANE Select); coding-DNA position 2769, C replaced by A.
Protein change: p.Tyr923Ter; replaces tyrosine 923 with a stop codon.
Molecular consequence: nonsense. On other transcripts: non-coding transcript variant (4).
Genome position (GRCh38, 1-based): chr10:3,140,689, G>T on the plus strand (C>A on the coding strand, the complement: PITRM1 is on the minus strand). VCF-style: chr10-3140689-G-T. GRCh37 (hg19) VCF-style: chr10-3182881-G-T.
Other names: c.2772C>A, p.Tyr924Ter (NM_001242307.2); c.2475C>A, p.Tyr825Ter (NM_001242309.1); c.2571C>A, p.Tyr857Ter (NM_001347725.2); c.1956C>A, p.Tyr652Ter (NM_001347726.2); c.2154C>A, p.Tyr718Ter (NM_001347727.2); c.1464C>A, p.Tyr488Ter (NM_001347728.2); c.2745C>A, p.Tyr915Ter (NM_001347729.1); c.2547C>A, p.Tyr849Ter (NM_001347730.1); short protein forms Y488*, Y652*, Y718*, Y825*, Y849*, Y857*, Y915*, Y923*.
Identifiers: ClinVar variation 4874514 (VCV004874514.2).

ClinVar aggregate classification (germline): Likely pathogenic (1 of 4 stars; one submission).

Submission:

CeGaT Center for Human Genetics Tuebingen
Classification: Likely pathogenic. Last evaluated: 2026-04-01. Review status: criteria provided, single submitter. Criteria: CeGaT Center For Human Genetics Tuebingen Variant Classification Criteria Version 2. Collection method: clinical testing. Allele origin: germline. Affected: yes. Observed: 1 variant allele.
Comment: PITRM1: PVS1:Strong, PM2